The following is an entry in ClinVar:

NM_001097577.3(ANG):c.27G>T (p.Leu9Phe)

Genes: ANG (angiogenin; plus strand), EGILA (EGFR interacting lncRNA; minus strand), RNASE4 (ribonuclease A family member 4; plus strand). Cytogenetic location: 14q11.2.
Variant type: single nucleotide variant.
Coding change: c.27G>T on transcript NM_001097577.3 (MANE Select); coding-DNA position 27, G replaced by T.
Protein change: p.Leu9Phe; replaces leucine 9 with phenylalanine.
Molecular consequence: missense variant. On other transcripts: non-coding transcript variant (1), 5 prime UTR variant (1), intron variant (3).
Genome position (GRCh38, 1-based): chr14:20,693,591, G>T. VCF-style: chr14-20693591-G-T. GRCh37 (hg19) VCF-style: chr14-21161750-G-T.
Other names: c.27G>T, p.Leu9Phe (NM_001145.4, NM_001385271.1, NM_001385272.1 and 2 more transcripts); c.-77G>T (NM_001282192.2); c.-17-5764G>T (NM_002937.5, NM_001282193.2); c.-18+4717G>T (NM_194431.3); short protein forms L9F.
Identifiers: ClinVar variation 4746198 (VCV004746198.1).

ClinVar aggregate classification (germline): Uncertain significance (1 of 4 stars; one submission).

Submission:

Labcorp Genetics (formerly Invitae), Labcorp
Classification: Uncertain significance. Last evaluated: 2025-05-18. Review status: criteria provided, single submitter. Criteria: Invitae Variant Classification Sherloc (09022015). Collection method: clinical testing. Allele origin: germline.
Comment: This sequence change replaces leucine, which is neutral and non-polar, with phenylalanine, which is neutral and non-polar, at codon 9 of the ANG protein (p.Leu9Phe). This variant is present in population databases (rs781183678, gnomAD 0.007%). This variant has not been reported in the literature in individuals affected with ANG-related conditions. An algorithm developed to predict the effect of missense changes on protein structure and function outputs the following: PolyPhen-2: "Not Available". The phenylalanine amino acid residue is found in multiple mammalian species, which suggests that this missense change does not adversely affect protein function. In summary, the available evidence is currently insufficient to determine the role of this variant in disease. Therefore, it has been classified as a Variant of Uncertain Significance.